The following is an entry in ClinVar:

NM_006379.5(SEMA3C):c.734A>C (p.Lys245Thr)

Gene: SEMA3C (semaphorin 3C; minus strand). Cytogenetic location: 7q21.11.
Variant type: single nucleotide variant.
Coding change: c.734A>C on transcript NM_006379.5 (MANE Select); coding-DNA position 734, A replaced by C.
Protein change: p.Lys245Thr; replaces lysine 245 with threonine.
Molecular consequence: missense variant.
Genome position (GRCh38, 1-based): chr7:80,804,173, T>G on the plus strand (A>C on the coding strand, the complement: SEMA3C is on the minus strand). VCF-style: chr7-80804173-T-G. GRCh37 (hg19) VCF-style: chr7-80433489-T-G.
Other names: c.788A>C, p.Lys263Thr (NM_001350120.2); c.560A>C, p.Lys187Thr (NM_001350121.2); short protein forms K187T, K245T, K263T.
Identifiers: ClinVar variation 3348516 (VCV003348516.1).

ClinVar aggregate classification (germline): Uncertain significance (0 of 4 stars; one submission).

Conditions:
SEMA3C-related disorder. Also called: SEMA3C-related condition.

Submission:

PreventionGenetics, part of Exact Sciences
Classification: Uncertain significance for SEMA3C-related condition. Last evaluated: 2024-02-28. Review status: no assertion criteria provided. Collection method: clinical testing. Allele origin: germline.
Comment: The SEMA3C c.788A>C variant is predicted to result in the amino acid substitution p.Lys263Thr. To our knowledge, this variant has not been reported in the literature or in a large population database, indicating this variant is rare. At this time, the clinical significance of this variant is uncertain due to the absence of conclusive functional and genetic evidence.